The following is an entry in ClinVar:

NM_000718.4(CACNA1B):c.5032G>A (p.Glu1678Lys)

Gene: CACNA1B (calcium voltage-gated channel subunit alpha1 B; plus strand). Cytogenetic location: 9q34.3.
Variant type: single nucleotide variant.
Coding change: c.5032G>A on transcript NM_000718.4 (MANE Select); coding-DNA position 5032, G replaced by A.
Protein change: p.Glu1678Lys; replaces glutamic acid 1678 with lysine.
Molecular consequence: missense variant.
Genome position (GRCh38, 1-based): chr9:138,078,196, G>A. VCF-style: chr9-138078196-G-A. GRCh37 (hg19) VCF-style: chr9-140972648-G-A.
Other names: c.5032G>A, p.Glu1678Lys (NM_001243812.2); c.5032G>A (NM_000718.3); short protein forms E1678K.
Identifiers: ClinVar variation 2060955 (VCV002060955.2), dbSNP rs201516369, ClinGen allele CA5377243.
Genomic context (GRCh38, chr9:138,078,196, plus strand): 5'-CACGAGATCATGCTGTCCTGCCTGAGCAACCAGGCCTGTGATGAGCAGGCCAATGCCACC[G>A]AGTGTGGAAGTGACTTTGCCTACTTCTACTTCGTCTCCTTCATCTTCCTGTGCTCCTTTC-3'
Protein context (NP_000709.1, residues 1668-1688): QACDEQANAT[Glu1678Lys]CGSDFAYFYF

ClinVar aggregate classification (germline): Uncertain significance. Review status: criteria provided, multiple submitters, no conflicts (2 of 4 stars). 2 submissions from 2 submitters: Uncertain significance (2). Last evaluated 2023-12-11.

Allele frequency attached by ClinVar (database versions not stated): ExAC 0.00002; gnomAD 0.00002; TOPMed 0.00004.
gnomAD v4.1: 36 of 1,613,804 alleles (0.0022%); highest among the groups gnomAD compares: Middle Eastern, 0.016%; no homozygotes.

Submissions (2):

Ambry Genetics
Classification: Uncertain significance. Last evaluated: 2023-12-11. Review status: criteria provided, single submitter. Criteria: Ambry Variant Classification Scheme 2023. Collection method: clinical testing. Allele origin: germline.

Labcorp Genetics (formerly Invitae), Labcorp
Classification: Uncertain significance. Last evaluated: 2022-09-12. Review status: criteria provided, single submitter. Criteria: Invitae Variant Classification Sherloc (09022015). Collection method: clinical testing. Allele origin: germline.
Comment: This sequence change replaces glutamic acid, which is acidic and polar, with lysine, which is basic and polar, at codon 1678 of the CACNA1B protein (p.Glu1678Lys). This variant is present in population databases (rs201516369, gnomAD 0.004%). This variant has not been reported in the literature in individuals affected with CACNA1B-related conditions. Advanced modeling of protein sequence and biophysical properties (such as structural, functional, and spatial information, amino acid conservation, physicochemical variation, residue mobility, and thermodynamic stability) performed at Invitae indicates that this missense variant is not expected to disrupt CACNA1B protein function. In summary, the available evidence is currently insufficient to determine the role of this variant in disease. Therefore, it has been classified as a Variant of Uncertain Significance.